The following is an entry in ClinVar:

NM_004064.5(CDKN1B):c.43_44insCCTAGCCTGCAGC (p.Arg15delinsProTer)

Gene: CDKN1B (cyclin dependent kinase inhibitor 1B; plus strand). Cytogenetic location: 12p13.1.
Variant type: Insertion.
Coding change: c.43_44insCCTAGCCTGCAGC on transcript NM_004064.5 (MANE Select); coding-DNA positions 43 to 44, CCTAGCCTGCAGC inserted.
Protein change: p.Arg15delinsProTer.
Molecular consequence: nonsense.
Genome position: GRCh38 VCF-style: chr12-12717879-G-GAGCCCTAGCCTGC. GRCh37 (hg19) VCF-style: chr12-12870813-G-GAGCCCTAGCCTGC.
Identifiers: ClinVar variation 2700986 (VCV002700986.3), dbSNP rs2497403782, ClinGen allele CA2697559109.

ClinVar aggregate classification (germline): Pathogenic (1 of 4 stars; one submission).

Conditions:
Multiple endocrine neoplasia type 4. Also called: MULTIPLE ENDOCRINE NEOPLASIA, TYPE IV. Identifiers: Orphanet 276152, MedGen C1970712, MONDO:0012552, OMIM 610755.

Submission:

Labcorp Genetics (formerly Invitae), Labcorp
Classification: Pathogenic for Multiple endocrine neoplasia type 4. Last evaluated: 2023-12-05. Review status: criteria provided, single submitter. Criteria: Invitae Variant Classification Sherloc (09022015). Collection method: clinical testing. Allele origin: germline.
Comment: This sequence change creates a premature translational stop signal (p.Arg15Profs*2) in the CDKN1B gene. It is expected to result in an absent or disrupted protein product. Loss-of-function variants in CDKN1B are known to be pathogenic (PMID: 17030811, 24819502). This variant is not present in population databases (gnomAD no frequency). This variant has not been reported in the literature in individuals affected with CDKN1B-related conditions. For these reasons, this variant has been classified as Pathogenic.

Literature cited by the submitters: PubMed 17030811; PubMed 24819502.